The following is an entry in ClinVar:

ClinVar aggregate classification (germline): Likely benign (0 of 4 stars; one submission).

Conditions:
PLXNA1-related disorder. Also called: PLXNA1-related condition.

gnomAD v4.1: 2 of 1,614,002 alleles (0.00012%); highest among the groups gnomAD compares: Admixed American, 0.0017%; no homozygotes.

Submission:

PreventionGenetics, part of Exact Sciences
Classification: Likely benign for PLXNA1-related condition. Last evaluated: 2024-04-18. Review status: no assertion criteria provided. Collection method: clinical testing. Allele origin: germline.
Comment: This variant is classified as likely benign based on ACMG/AMP sequence variant interpretation guidelines (Richards et al. 2015 PMID: 25741868, with internal and published modifications).

NM_032242.4(PLXNA1):c.5130C>T (p.Ala1710=)

Gene: PLXNA1 (plexin A1; plus strand). Cytogenetic location: 3q21.3.
Variant type: single nucleotide variant.
Coding change: c.5130C>T on transcript NM_032242.4 (MANE Select); coding-DNA position 5130, C replaced by T.
Protein change: p.Ala1710=; no amino-acid change (alanine 1710 retained).
Molecular consequence: synonymous variant.
Genome position (GRCh38, 1-based): chr3:127,030,311, C>T. VCF-style: chr3-127030311-C-T. GRCh37 (hg19) VCF-style: chr3-126749154-C-T.
Identifiers: ClinVar variation 3352158 (VCV003352158.1).